The following is an entry in ClinVar:

ClinVar aggregate classification (germline): Likely pathogenic (1 of 4 stars; one submission).

Conditions:
Developmental and epileptic encephalopathy 92. Also called: EPILEPTIC ENCEPHALOPATHY, INFANTILE OR EARLY CHILDHOOD, 2. Identifiers: MedGen C4693362, MONDO:0020631, OMIM 617829.

Submission:

MVZ Medizinische Genetik Mainz
Classification: Likely pathogenic for Developmental and epileptic encephalopathy 92. Last evaluated: 2023-07-12. Review status: criteria provided, single submitter. Criteria: UK Practice Guidelines For Variant Classification V4 01 2020. Collection method: clinical testing. Allele origin: germline. Inheritance: Autosomal dominant inheritance. Affected: yes. Observed: 1 variant allele.
Comment: PP3_STR,PM2_SUP,PP2

NM_001371727.1(GABRB2):c.242A>G (p.Tyr81Cys)

Gene: GABRB2 (gamma-aminobutyric acid type A receptor subunit beta2; minus strand). Cytogenetic location: 5q34.
Variant type: single nucleotide variant.
Coding change: c.242A>G on transcript NM_001371727.1 (MANE Select); coding-DNA position 242, A replaced by G.
Protein change: p.Tyr81Cys; replaces tyrosine 81 with cysteine.
Molecular consequence: missense variant.
Genome position (GRCh38, 1-based): chr5:161,459,840, T>C on the plus strand (A>G on the coding strand, the complement: GABRB2 is on the minus strand). VCF-style: chr5-161459840-T-C. GRCh37 (hg19) VCF-style: chr5-160886846-T-C.
Other names: c.242A>G, p.Tyr81Cys (NM_000813.3, NM_021911.3); short protein forms Y81C.
Identifiers: ClinVar variation 3061923 (VCV003061923.1), dbSNP rs2480000318, ClinGen allele CA362174182.